The following is an entry in ClinVar:

NM_005219.5(DIAPH1):c.1550del (p.Gln517fs)

Gene: DIAPH1 (diaphanous related formin 1; minus strand). Cytogenetic location: 5q31.3.
Variant type: Deletion.
Coding change: c.1550del on transcript NM_005219.5 (MANE Select); coding-DNA position 1550, one base deleted (A; older notation c.1550delA).
Protein change: p.Gln517fs; shifts the reading frame from glutamine 517.
Molecular consequence: frameshift variant.
Genome position (GRCh38, 1-based): chr5:141,575,058, T deleted on the plus strand (A on the coding strand, the reverse complement: DIAPH1 is on the minus strand). VCF-style (leftmost placement, unchanged base first): chr5-141575057-CT-C. GRCh37 (hg19) VCF-style: chr5-140954624-CT-C.
Other names: c.1523del, p.Gln508fs (NM_001079812.3); c.1550del, p.Gln517fs (NM_001314007.2); short protein forms Q508fs, Q517fs.
Identifiers: ClinVar variation 4884246 (VCV004884246.2).
Genomic context (GRCh38, chr5:141,575,057, plus strand): 5'-CAGGTCCTGTTTCTCTGTGGCAATTTGCTGCTTTTCAGAATGCAGTGCATCTTTTTCTCC[CT>C]GAAGATCTTGAAGCTTCTGCTCAAAGTCACTTTCCATCTTTTTCATTTCCACCTGTAGCT-3'

ClinVar aggregate classification (germline): Likely pathogenic (1 of 4 stars; one submission).

Submission:

Dasa
Classification: Likely pathogenic. Last evaluated: 2024-05-22. Review status: criteria provided, single submitter. Criteria: DASA Assertion Criteria. Collection method: clinical testing. Allele origin: germline.
Comment: NM_005219.5(DIAPH1):c.1550del (p.Gln517Argfs*35) is a frameshift variant in DIAPH1 predicted to alter the reading frame and introduce a premature termination codon and is predicted to result in an absent or altered protein product. Loss of function is an established disease mechanism for DIAPH1-associated disorders. Also, this variant is rare in population databases. Based on the currently available evidence, this variant is classified as likely pathogenic.